The following is an entry in ClinVar:

NM_001267550.2(TTN):c.72379G>T (p.Glu24127Ter)

Genes: TTN-AS1 (TTN antisense RNA 1; plus strand), TTN (titin; minus strand). Cytogenetic location: 2q31.2.
Variant type: single nucleotide variant.
Coding change: c.72379G>T on transcript NM_001267550.2 (MANE Select); coding-DNA position 72379, G replaced by T.
Protein change: p.Glu24127Ter; replaces glutamic acid 24127 with a stop codon.
Molecular consequence: nonsense.
Genome position (GRCh38, 1-based): chr2:178,573,753, C>A on the plus strand (G>T on the coding strand, the complement: TTN is on the minus strand). VCF-style: chr2-178573753-C-A. GRCh37 (hg19) VCF-style: chr2-179438480-C-A.
Other names: c.67456G>T, p.Glu22486Ter (NM_001256850.1); c.45184G>T, p.Glu15062Ter (NM_003319.4); c.64675G>T, p.Glu21559Ter (NM_133378.4); c.45559G>T, p.Glu15187Ter (NM_133432.3); c.45760G>T, p.Glu15254Ter (NM_133437.4); short protein forms E15062*, E15187*, E15254*, E21559*, E22486*, E24127*.
Identifiers: ClinVar variation 3757933 (VCV003757933.2).

ClinVar aggregate classification (germline): Likely pathogenic (1 of 4 stars; one submission).

Conditions:
Dilated cardiomyopathy 1G (CMD1G). Identifiers: Orphanet 154, MedGen C1858763, MONDO:0011400, OMIM 604145.
Autosomal recessive limb-girdle muscular dystrophy type 2J (LGMDR10). Also called: Limb-girdle muscular dystrophy, type 2J; MUSCULAR DYSTROPHY, LIMB-GIRDLE, AUTOSOMAL RECESSIVE 10. Identifiers: Orphanet 140922, MedGen C1837342, MONDO:0012127, OMIM 608807.

Submission:

Labcorp Genetics (formerly Invitae), Labcorp
Classification: Likely pathogenic for Dilated cardiomyopathy 1G; Autosomal recessive limb-girdle muscular dystrophy type 2J. Last evaluated: 2024-09-02. Review status: criteria provided, single submitter. Criteria: Invitae Variant Classification Sherloc (09022015). Collection method: clinical testing. Allele origin: germline.
Comment: This sequence change creates a premature translational stop signal (p.Glu24127*) in the TTN gene. While this is not anticipated to result in nonsense mediated decay, it is expected to create a truncated TTN protein. This variant is not present in population databases (gnomAD no frequency). This variant has not been reported in the literature in individuals affected with TTN-related conditions. This variant is located in the A band of TTN (PMID: 25589632). Truncating variants in this region are significantly overrepresented in patients affected with dilated cardiomyopathy (PMID: 25589632). Truncating variants in this region have also been reported in individuals affected with autosomal recessive centronuclear myopathy (PMID: 23975875). In summary, the currently available evidence indicates that the variant is pathogenic, but additional data are needed to prove that conclusively. Therefore, this variant has been classified as Likely Pathogenic.

Literature cited by the submitters: PubMed 25589632; PubMed 23975875.